The following is an entry in ClinVar:

ClinVar aggregate classification (germline): Likely benign. Review status: criteria provided, multiple submitters, no conflicts (2 of 4 stars). 2 submissions from 2 submitters: Likely benign (2). Last evaluated 2018-08-23.

Conditions:
Familial cancer of breast. Also called: BREAST CANCER, FAMILIAL; Hereditary breast cancer; hereditary breast carcinoma. Identifiers: Orphanet 227535, MedGen C0346153, MONDO:0016419, OMIM 114480. Disease mechanism: loss of function.
Fanconi anemia complementation group J. Also called: BRIP1-Related Fanconi Anemia. Identifiers: Orphanet 84, MedGen C1836860, MONDO:0012187, OMIM 609054.

Submissions (2):

Labcorp Genetics (formerly Invitae), Labcorp
Classification: Likely benign for Familial cancer of breast; Fanconi anemia complementation group J. Last evaluated: 2018-08-23. Review status: criteria provided, single submitter. Criteria: Invitae Variant Classification Sherloc (09022015). Collection method: clinical testing. Allele origin: germline.

GeneDx
Classification: Likely benign. Last evaluated: 2017-03-07. Review status: criteria provided, single submitter. Criteria: GeneDx Variant Classification (06012015). Collection method: clinical testing. Allele origin: germline. Affected: yes.
Comment: This variant is considered likely benign or benign based on one or more of the following criteria: it is a conservative change, it occurs at a poorly conserved position in the protein, it is predicted to be benign by multiple in silico algorithms, and/or has population frequency not consistent with disease.

NM_032043.3(BRIP1):c.2682A>G (p.Val894=)

Gene: BRIP1 (BRCA1 interacting DNA helicase 1; minus strand). Cytogenetic location: 17q23.2.
Variant type: single nucleotide variant.
Coding change: c.2682A>G on transcript NM_032043.3 (MANE Select); coding-DNA position 2682, A replaced by G.
Protein change: p.Val894=; no amino-acid change (valine 894 retained).
Molecular consequence: synonymous variant.
Genome position (GRCh38, 1-based): chr17:61,686,059, T>C on the plus strand (A>G on the coding strand, the complement: BRIP1 is on the minus strand). VCF-style: chr17-61686059-T-C. GRCh37 (hg19) VCF-style: chr17-59763420-T-C.
Identifiers: ClinVar variation 507921 (VCV000507921.12), dbSNP rs1555573439, ClinGen allele CA501335813.